The following is an entry in ClinVar:

ClinVar aggregate classification (germline): Conflicting classifications of pathogenicity. Review status: criteria provided, conflicting classifications (1 of 4 stars). 3 submissions from 3 submitters: Uncertain significance (1); Benign (1); Likely benign (1). Last evaluated 2025-09-29.

Conditions:
Growth retardation, intellectual developmental disorder, hypotonia, and hepatopathy (GRIDHH). Also called: GROWTH RETARDATION, IMPAIRED INTELLECTUAL DEVELOPMENT, HYPOTONIA, AND HEPATOPATHY. Identifiers: Orphanet 541423, MedGen C4310720, MONDO:0014911, OMIM 617093.

Allele frequency attached by ClinVar (database versions not stated): gnomAD 0.00001 and 0.00011; TOPMed 0.00001; 1000 Genomes Project 30x 0.00016; 1000 Genomes Project 0.00020; gnomAD exomes 0.00053; ExAC 0.00058.
gnomAD v4.1: 390 of 1,613,134 alleles (0.024%); highest among the groups gnomAD compares: South Asian, 0.41%; 7 homozygotes.

Submissions (3):

Labcorp Genetics (formerly Invitae), Labcorp
Classification: Benign. Last evaluated: 2025-09-29. Review status: criteria provided, single submitter. Criteria: Invitae Variant Classification Sherloc (09022015). Collection method: clinical testing. Allele origin: germline.

Ambry Genetics
Classification: Likely benign. Last evaluated: 2024-09-11. Review status: criteria provided, single submitter. Criteria: Ambry Variant Classification Scheme 2023. Collection method: clinical testing. Allele origin: germline.

Baylor Genetics
Classification: Uncertain significance for Growth retardation, intellectual developmental disorder, hypotonia, and hepatopathy. Last evaluated: 2018-05-23. Review status: criteria provided, single submitter. Criteria: ACMG Guidelines, 2015. Collection method: clinical testing. Allele origin: maternal. Affected: yes.
Comment: This variant was determined to be of uncertain significance according to ACMG Guidelines, 2015 [PMID:25741868].

NM_002161.6(IARS1):c.2035C>A (p.Leu679Ile)

Gene: IARS1 (isoleucyl-tRNA synthetase 1; minus strand). Cytogenetic location: 9q22.31.
Variant type: single nucleotide variant.
Coding change: c.2035C>A on transcript NM_002161.6 (MANE Select); coding-DNA position 2035, C replaced by A.
Protein change: p.Leu679Ile; replaces leucine 679 with isoleucine.
Molecular consequence: missense variant. On other transcripts: non-coding transcript variant (1).
Genome position (GRCh38, 1-based): chr9:92,256,782, G>T on the plus strand (C>A on the coding strand, the complement: IARS1 is on the minus strand). VCF-style: chr9-92256782-G-T. GRCh37 (hg19) VCF-style: chr9-95019064-G-T.
Other names: c.2035C>A, p.Leu679Ile (NM_001374299.1, NM_001374300.1, NM_013417.4); c.2035C>A (NM_013417.2); c.1951C>A, p.Leu651Ile (NM_001374301.1); short protein forms L679I, L651I.
Identifiers: ClinVar variation 723312 (VCV000723312.6), dbSNP rs569119560, ClinGen allele CA5122402.